The following is an entry in ClinVar:

NM_017780.4(CHD7):c.5607+6A>G

Gene: CHD7 (chromodomain helicase DNA binding protein 7; plus strand). Cytogenetic location: 8q12.2.
Variant type: single nucleotide variant.
Coding change: c.5607+6A>G on transcript NM_017780.4 (MANE Select); 6 bases into the intron after coding-DNA position 5607, A replaced by G.
Molecular consequence: intron variant.
Genome position (GRCh38, 1-based): chr8:60,851,110, A>G. VCF-style: chr8-60851110-A-G. GRCh37 (hg19) VCF-style: chr8-61763669-A-G.
Other names: c.1717-11119A>G (NM_001316690.1).
Identifiers: ClinVar variation 2914105 (VCV002914105.3), dbSNP rs1253343914, ClinGen allele CA853910804.
Genomic context (GRCh38, chr8:60,851,110, plus strand): 5'-AGATGAAGACCCAGAATATAAACCAACCAGAACACCGTTCAAAGATGAAATAGATGTATG[A>G]ACTTGAGTATATTGGCTTTTATAGCTCCATTAAAATATTATATGCCCACATAAGACTTGT-3'

ClinVar aggregate classification (germline): Uncertain significance (1 of 4 stars; one submission).

Conditions:
CHARGE syndrome (CHARGE). Also called: Hittner Hirsch Kreh syndrome; CHARGE ASSOCIATION--COLOBOMA, HEART ANOMALY, CHOANAL ATRESIA, RETARDATION, GENITAL AND EAR ANOMALIES; Coloboma, heart anomaly, choanal atresia, retardation, genital and ear anomalies; CHARGE association; Hall-Hittner syndrome. Identifiers: Orphanet 138, MedGen C0265354, MONDO:0008965.

Allele frequency attached by ClinVar (database versions not stated): TOPMed 0.00001.

Submission:

Labcorp Genetics (formerly Invitae), Labcorp
Classification: Uncertain significance for CHARGE syndrome. Last evaluated: 2024-01-18. Review status: criteria provided, single submitter. Criteria: Invitae Variant Classification Sherloc (09022015). Collection method: clinical testing. Allele origin: germline.
Comment: This sequence change falls in intron 27 of the CHD7 gene. It does not directly change the encoded amino acid sequence of the CHD7 protein. It affects a nucleotide within the consensus splice site. This variant is not present in population databases (gnomAD no frequency). This variant has not been reported in the literature in individuals affected with CHD7-related conditions. Variants that disrupt the consensus splice site are a relatively common cause of aberrant splicing (PMID: 17576681, 9536098). Algorithms developed to predict the effect of sequence changes on RNA splicing suggest that this variant is not likely to affect RNA splicing. In summary, the available evidence is currently insufficient to determine the role of this variant in disease. Therefore, it has been classified as a Variant of Uncertain Significance.

Literature cited by the submitters: PubMed 17576681; PubMed 9536098.